The following is an entry in ClinVar:

NM_182931.3(KMT2E):c.4068G>C (p.Lys1356Asn)

Gene: KMT2E (lysine methyltransferase 2E (inactive); plus strand). Cytogenetic location: 7q22.3.
Variant type: single nucleotide variant.
Coding change: c.4068G>C on transcript NM_182931.3 (MANE Select); coding-DNA position 4068, G replaced by C.
Protein change: p.Lys1356Asn; replaces lysine 1356 with asparagine.
Molecular consequence: missense variant.
Genome position (GRCh38, 1-based): chr7:105,110,868, G>C. VCF-style: chr7-105110868-G-C. GRCh37 (hg19) VCF-style: chr7-104751315-G-C.
Other names: c.3942G>C, p.Lys1314Asn (NM_001410908.1); c.4068G>C, p.Lys1356Asn (NM_018682.4); short protein forms K1314N, K1356N.
Identifiers: ClinVar variation 2672119 (VCV002672119.1), dbSNP rs2536520170, ClinGen allele CA368791468.

ClinVar aggregate classification (germline): Likely pathogenic (1 of 4 stars; one submission).

Conditions:
O'Donnell-Luria-Rodan syndrome (ODLURO). Also called: KMT2E-Related Neurodevelopmental Disorder. Identifiers: MedGen C5193138, MONDO:0032793, OMIM 618512.

Submission:

Clinical Genomics Laboratory, Washington University in St. Louis
Classification: Likely pathogenic for O'Donnell-Luria-Rodan syndrome. Last evaluated: 2023-09-02. Review status: criteria provided, single submitter. Criteria: ACMG Guidelines, 2015. Collection method: clinical testing. Allele origin: germline. Affected: yes.
Comment: The KMT2E c.4068G>C (p.Lys1356Asn) variant, to our knowledge, has not been reported in the medical literature and is absent from the general population (gnomAD v.2.1.1), indicating it is not a common variant. This nucleotide change occurs in the last nucleotide of exon 26, a position that is highly conserved, and computational predictors indicate that this variant would alter splicing, evidence that correlates to an impact of this variant on KMT2E function. If exon 26 were skipped, this would result in an out of frame transcript predicted to result in a premature termination codon in the terminal exon. Several other variants predicted to result in a premature termination codon in the terminal exon have been described in affected individuals and are considered pathogenic (O'Donnell-Luria AH et al., PMID: 31079897). Based on available information and the ACMG/AMP guidelines for variant interpretation (Richards S et al., PMID: 25741868), this variant is classified as likely pathogenic.